The following is an entry in ClinVar:

NM_004817.4(TJP2):c.972G>T (p.Gly324=)

Gene: TJP2 (tight junction protein 2; plus strand). Cytogenetic location: 9q21.11.
Variant type: single nucleotide variant.
Coding change: c.972G>T on transcript NM_004817.4 (MANE Select); coding-DNA position 972, G replaced by T.
Protein change: p.Gly324=; no amino-acid change (glycine 324 retained).
Molecular consequence: synonymous variant.
Genome position (GRCh38, 1-based): chr9:69,225,323, G>T. VCF-style: chr9-69225323-G-T. GRCh37 (hg19) VCF-style: chr9-71840239-G-T.
Other names: c.903G>T, p.Gly301= (NM_001170414.2, NM_001369870.1, NM_001369871.1); c.984G>T, p.Gly328= (NM_001170415.1, NM_001369874.1, NM_001369875.1); c.1065G>T, p.Gly355= (NM_001170416.2); c.972G>T, p.Gly324= (NM_001369872.1, NM_001369873.1, NM_201629.3 and 1 more transcripts); c.972G>T (NM_004817.3).
Identifiers: ClinVar variation 500078 (VCV000500078.9), dbSNP rs372333417, ClinGen allele CA193357701.
Genomic context (GRCh38, chr9:69,225,323, plus strand): 5'-AATTGATAACATACGTGTATGTTTATGTGTTTGTCTCCTAGAGTATGGTCTCCGGCTTGG[G>T]AGTCAGATCTTCGTAAAGGAAATGACCCGAACGGGTCTGGCAACTAAAGATGGCAACCTT-3'
Protein context (NP_004808.2, residues 314-334): RANEEYGLRL[Gly324=]SQIFVKEMTR

ClinVar aggregate classification (germline): Conflicting classifications of pathogenicity. Review status: criteria provided, conflicting classifications (1 of 4 stars). 3 submissions from 3 submitters: Uncertain significance (1); Likely benign (1). 1 of the submissions does not count toward it. Last evaluated 2024-10-02.

Conditions:
TJP2-related disorder. Also called: TJP2-related condition.

Allele frequency attached by ClinVar (database versions not stated): gnomAD exomes below 0.00001; gnomAD 0.00002; TOPMed 0.00003; ESP Exome Variant Server 0.00008.
gnomAD v4.1: 6 of 1,613,372 alleles (0.00037%); highest among the groups gnomAD compares: African/African-American, 0.0067%; no homozygotes.

Submissions (3):

Labcorp Genetics (formerly Invitae), Labcorp
Classification: Likely benign. Last evaluated: 2024-10-02. Review status: criteria provided, single submitter. Criteria: Invitae Variant Classification Sherloc (09022015). Collection method: clinical testing. Allele origin: germline.

Eurofins Ntd Llc (ga)
Classification: Uncertain significance. Last evaluated: 2017-01-23. Review status: criteria provided, single submitter. Criteria: EGL Classification Definitions 2015. Collection method: clinical testing. Allele origin: germline. Observed: 1 variant allele, 1 heterozygote.

PreventionGenetics, part of Exact Sciences
Classification: Likely benign for TJP2-related condition. Last evaluated: 2022-02-18. Review status: no assertion criteria provided. Collection method: clinical testing. Allele origin: germline. Not counted in ClinVar's aggregate classification.
Comment: This variant is classified as likely benign based on ACMG/AMP sequence variant interpretation guidelines (Richards et al. 2015 PMID: 25741868, with internal and published modifications).